The following is an entry in ClinVar:

ClinVar aggregate classification (germline): Pathogenic (1 of 4 stars; one submission).

Conditions:
Neurofibromatosis, type 1 (NF1). Also called: VON RECKLINGHAUSEN DISEASE; NEUROFIBROMATOSIS, TYPE I, SOMATIC; Peripheral type neurofibromatosis; Neurofibromatosis, type I. Identifiers: Orphanet 636, MedGen C0027831, MONDO:0018975, OMIM 162200. Disease mechanism: loss of function.

Submission:

Labcorp Genetics (formerly Invitae), Labcorp
Classification: Pathogenic for Neurofibromatosis, type 1. Last evaluated: 2025-11-10. Review status: criteria provided, single submitter. Criteria: Invitae Variant Classification Sherloc (09022015). Collection method: clinical testing. Allele origin: germline.
Comment: This sequence change replaces leucine, which is neutral and non-polar, with arginine, which is basic and polar, at codon 43 of the NF1 protein (p.Leu43Arg). This variant is not present in population databases (gnomAD no frequency). This missense change has been observed in individual(s) with clinical features of neurofibromatosis type 1 (internal data). In at least one individual the variant was observed to be de novo. ClinVar contains an entry for this variant (Variation ID: 2755710). Invitae Evidence Modeling of protein sequence and biophysical properties (such as structural, functional, and spatial information, amino acid conservation, physicochemical variation, residue mobility, and thermodynamic stability) indicates that this missense variant is expected to disrupt NF1 protein function with a positive predictive value of 95%. This variant disrupts the p.Leu43 amino acid residue in NF1. Other variant(s) that disrupt this residue have been determined to be pathogenic (PMID: 28529006, 31370276; internal data). This suggests that this residue is clinically significant, and that variants that disrupt this residue are likely to be disease-causing. For these reasons, this variant has been classified as Pathogenic.

Literature cited by the submitters: PubMed 28529006; PubMed 31370276.

NM_001042492.3(NF1):c.128T>G (p.Leu43Arg)

Gene: NF1 (neurofibromin 1; plus strand). Cytogenetic location: 17q11.2.
Variant type: single nucleotide variant.
Coding change: c.128T>G on transcript NM_001042492.3 (MANE Select); coding-DNA position 128, T replaced by G.
Protein change: p.Leu43Arg; replaces leucine 43 with arginine.
Molecular consequence: missense variant.
Genome position (GRCh38, 1-based): chr17:31,156,050, T>G. VCF-style: chr17-31156050-T-G. GRCh37 (hg19) VCF-style: chr17-29483068-T-G.
Other names: c.128T>G, p.Leu43Arg (NM_000267.4, NM_001128147.3); short protein forms L43R.
Identifiers: ClinVar variation 2755710 (VCV002755710.3), dbSNP rs1555604899, ClinGen allele CA398988396.